The following is an entry in ClinVar:

ClinVar aggregate classification (germline): Uncertain significance (1 of 4 stars; one submission).

Conditions:
Epidermolysis bullosa simplex 3, localized or generalized intermediate, with BP230 deficiency (EBS3). Also called: Epidermolysis bullosa simplex due to BP230 deficiency; Epidermolysis bullosa simplex, autosomal recessive 2. Identifiers: Orphanet 412181, MedGen C3809470, MONDO:0014180, OMIM 615425.
Hereditary sensory and autonomic neuropathy type 6. Also called: HSAN VI; Neuropathy, hereditary sensory and autonomic, type VI. Identifiers: Orphanet 314381, MedGen C3539003, MONDO:0013839, OMIM 614653.

Allele frequency attached by ClinVar (database versions not stated): gnomAD exomes below 0.00001; TOPMed 0.00002.
gnomAD v4.1: 3 of 1,612,898 alleles (0.00019%); highest among the groups gnomAD compares: Non-Finnish European, 0.00025%; no homozygotes.

Submission:

Labcorp Genetics (formerly Invitae), Labcorp
Classification: Uncertain significance for Epidermolysis bullosa simplex 3, localized or generalized intermediate, with BP230 deficiency; Hereditary sensory and autonomic neuropathy type 6. Last evaluated: 2023-07-07. Review status: criteria provided, single submitter. Criteria: Invitae Variant Classification Sherloc (09022015). Collection method: clinical testing. Allele origin: germline.
Comment: This variant has not been reported in the literature in individuals affected with DST-related conditions. This variant is not present in population databases (gnomAD no frequency). This sequence change replaces threonine, which is neutral and polar, with isoleucine, which is neutral and non-polar, at codon 5081 of the DST protein (p.Thr5081Ile). The DST gene has multiple clinically relevant transcripts. This variant occurs in alternate transcript NM_015548.4, and corresponds to NM_001723.5:c.*155375C>T in the primary transcript. In summary, the available evidence is currently insufficient to determine the role of this variant in disease. Therefore, it has been classified as a Variant of Uncertain Significance. Experimental studies and prediction algorithms are not available or were not evaluated, and the functional significance of this variant is currently unknown.

NM_001374736.1(DST):c.23183C>T (p.Thr7728Ile)

Gene: DST (dystonin; minus strand). Cytogenetic location: 6p12.1.
Variant type: single nucleotide variant.
Coding change: c.23183C>T on transcript NM_001374736.1 (MANE Select); coding-DNA position 23183, C replaced by T.
Protein change: p.Thr7728Ile; replaces threonine 7728 with isoleucine.
Molecular consequence: missense variant.
Genome position (GRCh38, 1-based): chr6:56,460,142, G>A on the plus strand (C>T on the coding strand, the complement: DST is on the minus strand). VCF-style: chr6-56460142-G-A. GRCh37 (hg19) VCF-style: chr6-56324940-G-A.
Other names: c.16754C>T, p.Thr5585Ile (NM_001144769.5); c.16340C>T, p.Thr5447Ile (NM_001144770.2); c.23111C>T, p.Thr7704Ile (NM_001374722.1); c.22112C>T, p.Thr7371Ile (NM_001374729.1); c.15854C>T, p.Thr5285Ile (NM_001374730.1); c.23138C>T, p.Thr7713Ile (NM_001374734.1); c.16202C>T, p.Thr5401Ile (NM_001386100.1); c.15242C>T, p.Thr5081Ile (NM_015548.5); and 1 more; short protein forms T5081I, T5285I, T5401I, T5407I, T5447I, T5585I, T7371I, T7704I.
Identifiers: ClinVar variation 1056887 (VCV001056887.9), dbSNP rs1009080138, ClinGen allele CA139162737.